The following is an entry in ClinVar:

ClinVar aggregate classification (germline): Conflicting classifications of pathogenicity. Review status: criteria provided, conflicting classifications (1 of 4 stars). 5 submissions from 5 submitters: Uncertain significance (1); Likely benign (4). Last evaluated 2025-08-19.

Conditions:
Fanconi anemia (FA). Also called: Fanconi's anemia. Identifiers: Orphanet 84, MedGen C0015625, MeSH D005199, MONDO:0019391.
Fanconi anemia complementation group P. Also called: SLX4-Related Fanconi Anemia. Identifiers: Orphanet 84, MedGen C3469542, MONDO:0013499, OMIM 613951.

Allele frequency attached by ClinVar (database versions not stated): gnomAD 0.00010; 1000 Genomes Project 30x 0.00016; TOPMed 0.00018.

Submissions (5):

Labcorp Genetics (formerly Invitae), Labcorp
Classification: Likely benign for Fanconi anemia. Last evaluated: 2025-08-19. Review status: criteria provided, single submitter. Criteria: Invitae Variant Classification Sherloc (09022015). Collection method: clinical testing. Allele origin: germline.

CeGaT Center for Human Genetics Tuebingen
Classification: Likely benign. Last evaluated: 2025-03-01. Review status: criteria provided, single submitter. Criteria: CeGaT Center For Human Genetics Tuebingen Variant Classification Criteria Version 2. Collection method: clinical testing. Allele origin: germline. Affected: yes. Observed: 1 variant allele.
Comment: SLX4: BP4, BP7

Blueprint Genetics
Classification: Likely benign. Last evaluated: 2024-08-09. Review status: criteria provided, single submitter. Criteria: ACMG Guidelines, 2015. Collection method: clinical testing. Allele origin: germline.

Sema4
Classification: Likely benign for Fanconi anemia. Last evaluated: 2021-11-01. Review status: criteria provided, single submitter. Criteria: Sema4 Curation Guidelines. Collection method: curation. Allele origin: germline.

Illumina Laboratory Services, Illumina
Classification: Uncertain significance for Fanconi anemia complementation group P. Last evaluated: 2018-01-13. Review status: criteria provided, single submitter. Criteria: ICSL Variant Classification Criteria 13 December 2019. Collection method: clinical testing. Allele origin: germline.

NM_032444.4(SLX4):c.1911G>T (p.Ser637=)

Gene: SLX4 (SLX4 structure-specific endonuclease subunit; minus strand). Cytogenetic location: 16p13.3.
Variant type: single nucleotide variant.
Coding change: c.1911G>T on transcript NM_032444.4 (MANE Select); coding-DNA position 1911, G replaced by T.
Protein change: p.Ser637=; no amino-acid change (serine 637 retained).
Molecular consequence: synonymous variant.
Genome position (GRCh38, 1-based): chr16:3,596,166, C>A on the plus strand (G>T on the coding strand, the complement: SLX4 is on the minus strand). VCF-style: chr16-3596166-C-A. GRCh37 (hg19) VCF-style: chr16-3646167-C-A.
Other names: c.1911G>T (LRG_503t1).
Identifiers: ClinVar variation 319172 (VCV000319172.24), dbSNP rs200013924, ClinGen allele CA7866382.